The following is an entry in ClinVar:

ClinVar aggregate classification (germline): Pathogenic. Review status: criteria provided, single submitter (1 of 4 stars). 2 submissions from 2 submitters: Pathogenic (1). 1 of the submissions does not count toward it. Last evaluated 2025-06-03.

Conditions:
Osteogenesis imperfecta type 12 (OI12). Also called: OI, TYPE XII; Osteogenesis imperfecta, type XII. Identifiers: Orphanet 666, MedGen C3151433, MONDO:0013460, OMIM 613849.

Submissions (2):

Labcorp Genetics (formerly Invitae), Labcorp
Classification: Pathogenic. Last evaluated: 2025-06-03. Review status: criteria provided, single submitter. Criteria: Invitae Variant Classification Sherloc (09022015). Collection method: clinical testing. Allele origin: germline.
Comment: This variant, c.321_353del, results in the deletion of 11 amino acid(s) of the FKBP10 protein (p.Met107_Leu117del), but otherwise preserves the integrity of the reading frame. This variant is not present in population databases (gnomAD no frequency). This variant has been observed in individuals with osteogenesis imperfecta (PMID: 20362275, 34902613). It has also been observed to segregate with disease in related individuals. ClinVar contains an entry for this variant (Variation ID: 3532). Algorithms developed to predict the effect of variants on gene product structure and function are not available or were not evaluated for this variant. Experimental studies have shown that this variant affects FKBP10 function (PMID: 20362275). For these reasons, this variant has been classified as Pathogenic.

OMIM
Classification: Pathogenic for OSTEOGENESIS IMPERFECTA, TYPE XI. Last evaluated: 2010-04-09. Review status: no assertion criteria provided. Collection method: literature only. Allele origin: germline. Not counted in ClinVar's aggregate classification.

Literature cited by the submitters: PubMed 20362275 (cited by Labcorp Genetics (formerly Invitae), Labcorp and OMIM); PubMed 34902613 (cited by Labcorp Genetics (formerly Invitae), Labcorp).

NM_021939.4(FKBP10):c.321_353del (p.Met107_Leu117del)

Gene: FKBP10 (FKBP prolyl isomerase 10; plus strand). Cytogenetic location: 17q21.2.
Variant type: Deletion.
Coding change: c.321_353del on transcript NM_021939.4 (MANE Select); coding-DNA positions 321 to 353, 33 bases deleted.
Protein change: p.Met107_Leu117del.
Molecular consequence: inframe deletion.
Genome position (GRCh38, 1-based): chr17:41,817,133-41,817,165, 33 bases deleted; deleting any 33 consecutive bases within chr17:41,817,126-41,817,165 gives the same sequence; the c. name uses the placement nearest the transcript's 3' end. GRCh37 (hg19): chr17:39,973,385-39,973,417.
Identifiers: ClinVar variation 3532 (VCV000003532.3), dbSNP rs137853882, ClinGen allele CA290696503.